The following is an entry in ClinVar:

NM_001382391.1(CSPP1):c.1698-65C>T

Gene: CSPP1 (centrosome and spindle pole associated protein 1; plus strand). Cytogenetic location: 8q13.2.
Variant type: single nucleotide variant.
Coding change: c.1698-65C>T on transcript NM_001382391.1 (MANE Select); 65 bases into the intron before coding-DNA position 1698, C replaced by T.
Molecular consequence: intron variant.
Genome position (GRCh38, 1-based): chr8:67,131,886, C>T. VCF-style: chr8-67131886-C-T. GRCh37 (hg19) VCF-style: chr8-68044121-C-T.
Other names: c.1656-65C>T (NM_001363132.2); c.1617-65C>T (NM_001363131.2); c.1575-65C>T (NM_001363133.2); c.1764-65C>T (NM_001364869.1); c.1683-65C>T (NM_024790.7, NM_001438331.1, NM_001438330.1); c.1584-65C>T (NM_001364870.1); c.1152-65C>T (NM_001438332.1); c.801-65C>T (NM_001291339.2).
Identifiers: ClinVar variation 675052 (VCV000675052.2), dbSNP rs77081267, ClinGen allele CA178221695.

ClinVar aggregate classification (germline): Benign. Review status: criteria provided, multiple submitters, no conflicts (2 of 4 stars). 2 submissions from 2 submitters: Benign (2). Last evaluated 2018-06-16.

Allele frequency attached by ClinVar (database versions not stated): TOPMed 0.03012; gnomAD 0.03548 and 0.03585.
gnomAD v4.1: 21,115 of 1,392,158 alleles (1.5%); highest among the groups gnomAD compares: African/African-American, 8%; 620 homozygotes.

Submissions (2):

GeneDx
Classification: Benign. Last evaluated: 2018-06-16. Review status: criteria provided, single submitter. Criteria: GeneDx Variant Classification (06012015). Collection method: clinical testing. Allele origin: germline. Affected: yes.
Comment: This variant is considered likely benign or benign based on one or more of the following criteria: it is a conservative change, it occurs at a poorly conserved position in the protein, it is predicted to be benign by multiple in silico algorithms, and/or has population frequency not consistent with disease.

Breakthrough Genomics
Classification: Benign. Review status: criteria provided, single submitter. Criteria: ACMG Guidelines, 2015. Collection method: not provided. Allele origin: germline. Inheritance: Autosomal recessive inheritance. Affected: yes.